The following is an entry in ClinVar:

NM_000179.3(MSH6):c.2184A>C (p.Lys728Asn)

Gene: MSH6 (mutS homolog 6; plus strand). Cytogenetic location: 2p16.3.
Variant type: single nucleotide variant.
Coding change: c.2184A>C on transcript NM_000179.3 (MANE Select); coding-DNA position 2184, A replaced by C.
Protein change: p.Lys728Asn; replaces lysine 728 with asparagine.
Molecular consequence: missense variant.
Genome position (GRCh38, 1-based): chr2:47,800,167, A>C. VCF-style: chr2-47800167-A-C. GRCh37 (hg19) VCF-style: chr2-48027306-A-C.
Other names: c.1794A>C, p.Lys598Asn (NM_001281492.2); c.1278A>C, p.Lys426Asn (NM_001281493.2, NM_001281494.2); short protein forms K728N, K426N, K598N.
Identifiers: ClinVar variation 483859 (VCV000483859.10), dbSNP rs1553413552, ClinGen allele CA346751227.

ClinVar aggregate classification (germline): Uncertain significance. Review status: criteria provided, multiple submitters, no conflicts (2 of 4 stars). 2 submissions from 2 submitters: Uncertain significance (2). Last evaluated 2022-04-01.

Conditions:
Hereditary nonpolyposis colorectal neoplasms. Identifiers: MedGen C0009405, MeSH D003123.
Hereditary cancer-predisposing syndrome. Also called: Neoplastic Syndromes, Hereditary; Tumor predisposition; Hereditary Cancer Syndrome; Hereditary neoplastic syndrome. Identifiers: Orphanet 140162, MedGen C0027672, MeSH D009386, MONDO:0015356.

Submissions (2):

Labcorp Genetics (formerly Invitae), Labcorp
Classification: Uncertain significance for Hereditary nonpolyposis colorectal neoplasms. Last evaluated: 2022-04-01. Review status: criteria provided, single submitter. Criteria: Invitae Variant Classification Sherloc (09022015). Collection method: clinical testing. Allele origin: germline.
Comment: This variant is not present in population databases (gnomAD no frequency). This sequence change replaces lysine, which is basic and polar, with asparagine, which is neutral and polar, at codon 728 of the MSH6 protein (p.Lys728Asn). ClinVar contains an entry for this variant (Variation ID: 483859). Advanced modeling of protein sequence and biophysical properties (such as structural, functional, and spatial information, amino acid conservation, physicochemical variation, residue mobility, and thermodynamic stability) performed at Invitae indicates that this missense variant is not expected to disrupt MSH6 protein function. In summary, the available evidence is currently insufficient to determine the role of this variant in disease. Therefore, it has been classified as a Variant of Uncertain Significance. This variant has not been reported in the literature in individuals affected with MSH6-related conditions.

Ambry Genetics
Classification: Uncertain significance for Hereditary cancer-predisposing syndrome. Last evaluated: 2017-05-15. Review status: criteria provided, single submitter. Criteria: Ambry Variant Classification Scheme 2023. Collection method: clinical testing. Allele origin: germline.
Comment: The p.K728N variant (also known as c.2184A>C), located in coding exon 4 of the MSH6 gene, results from an A to C substitution at nucleotide position 2184. The lysine at codon 728 is replaced by asparagine, an amino acid with similar properties. This amino acid position is not well conserved in available vertebrate species. In addition, this alteration is predicted to be tolerated by in silico analysis. In addition, the CoDP in silico tool predicts this alteration to have minor impact on molecular function, with a score of 0.000 (Terui H et al. J. Biomed. Sci. 2013 Apr;20:25). Since supporting evidence is limited at this time, the clinical significance of this alteration remains unclear.